The following is an entry in ClinVar:

NM_000038.6(APC):c.4450G>C (p.Asp1484His)

Gene: APC (APC regulator of Wnt signaling pathway; plus strand). Cytogenetic location: 5q22.2.
Variant type: single nucleotide variant.
Coding change: c.4450G>C on transcript NM_000038.6 (MANE Select); coding-DNA position 4450, G replaced by C.
Protein change: p.Asp1484His; replaces aspartic acid 1484 with histidine.
Molecular consequence: missense variant.
Genome position (GRCh38, 1-based): chr5:112,840,044, G>C. VCF-style: chr5-112840044-G-C. GRCh37 (hg19) VCF-style: chr5-112175741-G-C.
Other names: c.4504G>C, p.Asp1502His (NM_001354896.2); c.4450G>C, p.Asp1484His (NM_001127510.3, NM_001354895.2); c.4396G>C, p.Asp1466His (NM_001127511.3); c.4480G>C, p.Asp1494His (NM_001354897.2); c.4375G>C, p.Asp1459His (NM_001354898.2); c.4366G>C, p.Asp1456His (NM_001354899.2); c.4327G>C, p.Asp1443His (NM_001354900.2); c.4273G>C, p.Asp1425His (NM_001354901.2); and 5 more; short protein forms D1466H, D1484H, D1201H, D1324H, D1358H, D1383H, D1502H, D1456H.
Identifiers: ClinVar variation 581493 (VCV000581493.14), dbSNP rs1165759330, ClinGen allele CA16031070.

ClinVar aggregate classification (germline): Conflicting classifications of pathogenicity. Review status: criteria provided, conflicting classifications (1 of 4 stars). 4 submissions from 4 submitters: Uncertain significance (2); Likely benign (2). Last evaluated 2025-03-04.

Conditions:
Classic or attenuated familial adenomatous polyposis. Identifiers: MedGen CN372698, MONDO:0021057.
Familial adenomatous polyposis 1 (FAP1). Also called: FAMILIAL ADENOMATOUS POLYPOSIS 1, ATTENUATED; POLYPOSIS, ADENOMATOUS INTESTINAL. Identifiers: MedGen C2713442, MONDO:0021056, OMIM 175100. Disease mechanism: loss of function.
Hereditary cancer-predisposing syndrome. Also called: Neoplastic Syndromes, Hereditary; Tumor predisposition; Hereditary neoplastic syndrome; Hereditary Cancer Syndrome. Identifiers: Orphanet 140162, MedGen C0027672, MeSH D009386, MONDO:0015356.

Allele frequency attached by ClinVar (database versions not stated): gnomAD 0.00001; gnomAD exomes 0.00001.
gnomAD v4.1: 9 of 1,614,006 alleles (0.00056%); highest among the groups gnomAD compares: South Asian, 0.0099%; no homozygotes.

Submissions (4):

Center for Genomic Medicine, Rigshospitalet, Copenhagen University Hospital
Classification: Likely benign. Last evaluated: 2025-03-04. Review status: criteria provided, single submitter. Criteria: ACMG Guidelines, 2015. Collection method: clinical testing. Allele origin: germline.

All of Us Research Program, National Institutes of Health
Classification: Uncertain significance for Classic or attenuated familial adenomatous polyposis. Last evaluated: 2024-08-06. Review status: criteria provided, single submitter. Criteria: ACMG Guidelines, 2015. Collection method: clinical testing. Allele origin: germline. Inheritance: Autosomal dominant inheritance. Observed: 1 variant allele, 1 heterozygote.
Comment: This study involves interpretation of variants in research participants for the purpose of population health screening. Participant phenotype was not available at the time of variant classification. Additional details can be found in publication PMID: 35346344, PMCID: PMC8962531

Labcorp Genetics (formerly Invitae), Labcorp
Classification: Uncertain significance for Familial adenomatous polyposis 1. Last evaluated: 2023-10-04. Review status: criteria provided, single submitter. Criteria: Invitae Variant Classification Sherloc (09022015). Collection method: clinical testing. Allele origin: germline.
Comment: This sequence change replaces aspartic acid, which is acidic and polar, with histidine, which is basic and polar, at codon 1484 of the APC protein (p.Asp1484His). This variant is present in population databases (no rsID available, gnomAD 0.006%). This variant has not been reported in the literature in individuals affected with APC-related conditions. ClinVar contains an entry for this variant (Variation ID: 581493). Advanced modeling of protein sequence and biophysical properties (such as structural, functional, and spatial information, amino acid conservation, physicochemical variation, residue mobility, and thermodynamic stability) performed at Invitae indicates that this missense variant is not expected to disrupt APC protein function. In summary, the available evidence is currently insufficient to determine the role of this variant in disease. Therefore, it has been classified as a Variant of Uncertain Significance.

Ambry Genetics
Classification: Likely benign for Hereditary cancer-predisposing syndrome. Last evaluated: 2021-06-01. Review status: criteria provided, single submitter. Criteria: Ambry Variant Classification Scheme 2023. Collection method: clinical testing. Allele origin: germline.